The following is an entry in ClinVar:

GRCh37/hg19 9q34.2-34.3(chr9:136988996-141020389)x3

Genes: ABCA2 (ATP binding cassette subfamily A member 2; minus strand), AGPAT2 (1-acylglycerol-3-phosphate O-acyltransferase 2; minus strand), AJM1 (apical junction component 1 homolog; plus strand), ANAPC2 (anaphase promoting complex subunit 2; minus strand), ARRDC1 (arrestin domain containing 1; plus strand) and 92 more. Cytogenetic location: 9q34.2-34.3.
Variant type: copy number gain.
Change: copy number 3 (three copies instead of two) of chr9:136,988,996-141,020,389 (4.03 Mb, GRCh37 coordinates, 1-based), cytogenetic band 9q34.2-34.3.
Identifiers: ClinVar variation 2684590 (VCV002684590.1).

ClinVar aggregate classification (germline): Pathogenic (1 of 4 stars; one submission).

Submission:

Quest Diagnostics Nichols Institute San Juan Capistrano
Classification: Pathogenic. Last evaluated: 2022-12-21. Review status: criteria provided, single submitter. Criteria: ACMG/ClinGen CNV Guidelines, 2019. Collection method: clinical testing. Allele origin: unknown.
Comment: The copy number gain of 9q34.2q34.3 involves numerous protein-coding genes, including EHMT1 (OMIM 607001). Overlapping 9q34.3 microduplications of varying sizes have been reported among individuals with phenotypes including intellectual disability, hypotonia, craniofacial dysmorphisms, and other musculoskeletal anomalies (Bonati 2019, Yatsenko 2012, Gawlik-Kuklinska 2007, Allerdice 1983). Thus, the classification of this copy number variant (CNV) is pathogenic. _x000D__x000D_ References: Allderdice et al., Am J Hum Genet. 1983 Sep;35(5):1005-19. PMID: 6613995 Bonati et al., Neurogenetics. 2019 Aug;20(3):145-154. PMID: 31209758 Gawlik-Kuklinska et al., Am J Med Genet A. 2007 Sep 1;143A(17):2019-23. PMID: 17663474 Yatsenko et al., Hum Genet. 2012 Dec;131(12):1895-910. PMID: 22890305